The following is an entry in ClinVar:

ClinVar aggregate classification (germline): Benign/Likely benign. Review status: criteria provided, multiple submitters, no conflicts (2 of 4 stars). 2 submissions from 2 submitters: Benign (1); Likely benign (1). Last evaluated 2025-11-10.

Allele frequency attached by ClinVar (database versions not stated): gnomAD exomes 0.00024 and 0.00065; ExAC 0.00080; 1000 Genomes Project 0.00180; 1000 Genomes Project 30x 0.00187; gnomAD 0.00241 and 0.00257; TOPMed 0.00274; ESP Exome Variant Server 0.00277.
gnomAD v4.1: 726 of 1,610,894 alleles (0.045%); highest among the groups gnomAD compares: African/African-American, 0.88%; 4 homozygotes.

Submissions (2):

Labcorp Genetics (formerly Invitae), Labcorp
Classification: Benign. Last evaluated: 2025-11-10. Review status: criteria provided, single submitter. Criteria: Invitae Variant Classification Sherloc (09022015). Collection method: clinical testing. Allele origin: germline.

CeGaT Center for Human Genetics Tuebingen
Classification: Likely benign. Last evaluated: 2025-04-01. Review status: criteria provided, single submitter. Criteria: CeGaT Center For Human Genetics Tuebingen Variant Classification Criteria Version 2. Collection method: clinical testing. Allele origin: germline. Affected: yes. Observed: 2 variant alleles.
Comment: PDE10A: BP4, BP7

NM_001385079.1(PDE10A):c.2757A>G (p.Ser919=)

Gene: PDE10A (phosphodiesterase 10A; minus strand). Cytogenetic location: 6q27.
Variant type: single nucleotide variant.
Coding change: c.2757A>G on transcript NM_001385079.1 (MANE Select); coding-DNA position 2757, A replaced by G.
Protein change: p.Ser919=; no amino-acid change (serine 919 retained).
Molecular consequence: synonymous variant.
Genome position (GRCh38, 1-based): chr6:165,379,220, T>C on the plus strand (A>G on the coding strand, the complement: PDE10A is on the minus strand). VCF-style: chr6-165379220-T-C. GRCh37 (hg19) VCF-style: chr6-165792709-T-C.
Other names: c.1959A>G, p.Ser653= (NM_001130690.3); c.1929A>G, p.Ser643= (NM_006661.4).
Identifiers: ClinVar variation 734902 (VCV000734902.23), dbSNP rs142262184, ClinGen allele CA4092042.